The following is an entry in ClinVar:

ClinVar aggregate classification (germline): Uncertain significance (1 of 4 stars; one submission).

Submission:

Ambry Genetics
Classification: Uncertain significance. Last evaluated: 2026-07-19. Review status: criteria provided, single submitter. Criteria: Ambry Variant Classification Scheme 2023. Collection method: clinical testing. Allele origin: germline.
Comment: The p.N380S variant (also known as c.1139A>G), located in coding exon 8 of the ATRIP gene, results from an A to G substitution at nucleotide position 1139. The asparagine at codon 380 is replaced by serine, an amino acid with highly similar properties. This amino acid position is conserved. In addition, this alteration is predicted to be tolerated by in silico analysis. Based on the available evidence, the clinical significance of this variant remains unclear.

NM_130384.3(ATRIP):c.1139A>G (p.Asn380Ser)

Genes: ATRIP (ATR interacting protein; plus strand), ATRIP-TREX1 (ATRIP-TREX1 readthrough; plus strand). Cytogenetic location: 3p21.31.
Variant type: single nucleotide variant.
Coding change: c.1139A>G on transcript NM_130384.3 (MANE Select); coding-DNA position 1139, A replaced by G.
Protein change: p.Asn380Ser; replaces asparagine 380 with serine.
Molecular consequence: missense variant. On other transcripts: non-coding transcript variant (1).
Genome position (GRCh38, 1-based): chr3:48,460,193, A>G. VCF-style: chr3-48460193-A-G. GRCh37 (hg19) VCF-style: chr3-48501592-A-G.
Other names: c.758A>G, p.Asn253Ser (NM_001271022.2); c.860A>G, p.Asn287Ser (NM_001271023.2); c.1139A>G, p.Asn380Ser (NM_032166.4); short protein forms N287S, N253S, N380S.
Identifiers: ClinVar variation 5032433 (VCV005032433.1).